The following is an entry in ClinVar:

NM_002143.3(HPCA):c.26G>A (p.Arg9Gln)

Gene: HPCA (hippocalcin; plus strand). Cytogenetic location: 1p35.1.
Variant type: single nucleotide variant.
Coding change: c.26G>A on transcript NM_002143.3 (MANE Select); coding-DNA position 26, G replaced by A.
Protein change: p.Arg9Gln; replaces arginine 9 with glutamine.
Molecular consequence: missense variant.
Genome position (GRCh38, 1-based): chr1:32,888,924, G>A. VCF-style: chr1-32888924-G-A. GRCh37 (hg19) VCF-style: chr1-33354525-G-A.
Other names: short protein forms R9Q.
Identifiers: ClinVar variation 2167251 (VCV002167251.4), dbSNP rs774794783, ClinGen allele CA745850.

ClinVar aggregate classification (germline): Uncertain significance (1 of 4 stars; one submission).

Allele frequency attached by ClinVar (database versions not stated): ExAC 0.00001; gnomAD 0.00001; TOPMed 0.00001; gnomAD exomes 0.00003.

Submission:

Labcorp Genetics (formerly Invitae), Labcorp
Classification: Uncertain significance. Last evaluated: 2022-05-06. Review status: criteria provided, single submitter. Criteria: Invitae Variant Classification Sherloc (09022015). Collection method: clinical testing. Allele origin: germline.
Comment: In summary, the available evidence is currently insufficient to determine the role of this variant in disease. Therefore, it has been classified as a Variant of Uncertain Significance. Algorithms developed to predict the effect of missense changes on protein structure and function (SIFT, PolyPhen-2, Align-GVGD) all suggest that this variant is likely to be tolerated. This variant has not been reported in the literature in individuals affected with HPCA-related conditions. This variant is present in population databases (rs774794783, gnomAD 0.003%). This sequence change replaces arginine, which is basic and polar, with glutamine, which is neutral and polar, at codon 9 of the HPCA protein (p.Arg9Gln).